The following is an entry in ClinVar:

NM_001145809.2(MYH14):c.4255C>T (p.Arg1419Trp)

Gene: MYH14 (myosin heavy chain 14; plus strand). Cytogenetic location: 19q13.33.
Variant type: single nucleotide variant.
Coding change: c.4255C>T on transcript NM_001145809.2 (MANE Select); coding-DNA position 4255, C replaced by T.
Protein change: p.Arg1419Trp; replaces arginine 1419 with tryptophan.
Molecular consequence: missense variant.
Genome position (GRCh38, 1-based): chr19:50,280,348, C>T. VCF-style: chr19-50280348-C-T. GRCh37 (hg19) VCF-style: chr19-50783605-C-T.
Other names: p.Arg1378Trp; c.4156C>T, p.Arg1386Trp (NM_001077186.2); c.4132C>T, p.Arg1378Trp (NM_024729.4); short protein forms R1419W, R1378W, R1386W.
Identifiers: ClinVar variation 164189 (VCV000164189.20), dbSNP rs115019972, ClinGen allele CA176902.

ClinVar aggregate classification (germline): Benign/Likely benign. Review status: criteria provided, multiple submitters, no conflicts (2 of 4 stars). 7 submissions from 7 submitters: Benign (6); Likely benign (1). Last evaluated 2026-01-14.

Allele frequency attached by ClinVar (database versions not stated): gnomAD exomes 0.00099; ExAC 0.00202; ESP Exome Variant Server 0.00407; gnomAD 0.00513 and 0.00553; TOPMed 0.00545; 1000 Genomes Project 0.00619; 1000 Genomes Project 30x 0.00687.
gnomAD v4.1: 1,457 of 1,547,494 alleles (0.094%); highest among the groups gnomAD compares: African/African-American, 1.8%; 13 homozygotes.

Submissions (7):

Labcorp Genetics (formerly Invitae), Labcorp
Classification: Benign. Last evaluated: 2026-01-14. Review status: criteria provided, single submitter. Criteria: Invitae Variant Classification Sherloc (09022015). Collection method: clinical testing. Allele origin: germline.

Blueprint Genetics
Classification: Likely benign. Last evaluated: 2024-09-04. Review status: criteria provided, single submitter. Criteria: ACMG Guidelines, 2015. Collection method: clinical testing. Allele origin: germline.

Mayo Clinic Laboratories, Mayo Clinic
Classification: Benign. Last evaluated: 2021-02-08. Review status: criteria provided, single submitter. Criteria: ACMG Guidelines, 2015. Collection method: clinical testing. Allele origin: germline. Observed: 6 variant alleles.

GeneDx
Classification: Benign. Last evaluated: 2019-03-18. Review status: criteria provided, single submitter. Criteria: GeneDx Variant Classification Process June 2021. Collection method: clinical testing. Allele origin: germline. Affected: yes.

Athena Diagnostics
Classification: Benign. Last evaluated: 2019-02-27. Review status: criteria provided, single submitter. Criteria: Athena Diagnostics Criteria. Collection method: clinical testing. Allele origin: germline.

Laboratory for Molecular Medicine, Mass General Brigham Personalized Medicine
Classification: Benign. Last evaluated: 2012-05-07. Review status: criteria provided, single submitter. Criteria: LMM Criteria. Collection method: clinical testing. Allele origin: germline. Observed: 3 variant alleles.
Comment: Arg1419Trp in Exon 32 of MYH14: This variant is not expected to have clinical si gnificance because it has been identified in 1.0% (26/2612) of African American chromosomes from a broad population by the NHLBI Exome Sequencing Project (dbSNP rs115019972).

Breakthrough Genomics
Classification: Benign. Review status: criteria provided, single submitter. Criteria: ACMG Guidelines, 2015. Collection method: not provided. Allele origin: germline. Inheritance: Autosomal dominant inheritance. Affected: yes.